The following is an entry in ClinVar:

NM_198271.5(LMOD3):c.468C>T (p.Asp156=)

Gene: LMOD3 (leiomodin 3; minus strand). Cytogenetic location: 3p14.1.
Variant type: single nucleotide variant.
Coding change: c.468C>T on transcript NM_198271.5 (MANE Select); coding-DNA position 468, C replaced by T.
Protein change: p.Asp156=; no amino-acid change (aspartic acid 156 retained).
Molecular consequence: synonymous variant.
Genome position (GRCh38, 1-based): chr3:69,119,887, G>A on the plus strand (C>T on the coding strand, the complement: LMOD3 is on the minus strand). VCF-style: chr3-69119887-G-A. GRCh37 (hg19) VCF-style: chr3-69169038-G-A.
Other names: c.468C>T (NM_198271.4); c.468C>T, p.Asp156= (NM_001304418.3).
Identifiers: ClinVar variation 2908683 (VCV002908683.5), dbSNP rs537602397, ClinGen allele CA2488976.

ClinVar aggregate classification (germline): Likely benign. Review status: criteria provided, single submitter (1 of 4 stars). 2 submissions from 2 submitters: Likely benign (1). 1 of the submissions does not count toward it. Last evaluated 2025-08-21.

Conditions:
Nemaline myopathy 10 (NEM10). Identifiers: MedGen C4015360, MONDO:0014513, OMIM 616165.
LMOD3-related disorder. Also called: LMOD3-related condition.

Allele frequency attached by ClinVar (database versions not stated): 1000 Genomes Project 0.00020.
gnomAD v4.1: 32 of 1,546,476 alleles (0.0021%); highest among the groups gnomAD compares: African/African-American, 0.018%; no homozygotes.

Submissions (2):

Labcorp Genetics (formerly Invitae), Labcorp
Classification: Likely benign for Nemaline myopathy 10. Last evaluated: 2025-08-21. Review status: criteria provided, single submitter. Criteria: Invitae Variant Classification Sherloc (09022015). Collection method: clinical testing. Allele origin: germline.

PreventionGenetics, part of Exact Sciences
Classification: Likely benign for LMOD3-related condition. Last evaluated: 2024-01-17. Review status: no assertion criteria provided. Collection method: clinical testing. Allele origin: germline. Not counted in ClinVar's aggregate classification.
Comment: This variant is classified as likely benign based on ACMG/AMP sequence variant interpretation guidelines (Richards et al. 2015 PMID: 25741868, with internal and published modifications).